The following is an entry in ClinVar:

NM_006662.3(SRCAP):c.3542-1G>C

Gene: SRCAP (Snf2 related CREBBP activator protein; plus strand). Cytogenetic location: 16p11.2.
Variant type: single nucleotide variant.
Coding change: c.3542-1G>C on transcript NM_006662.3 (MANE Select); the canonical splice acceptor site of the intron before coding-DNA position 3542, G replaced by C.
Molecular consequence: splice acceptor variant.
Genome position (GRCh38, 1-based): chr16:30,722,121, G>C. VCF-style: chr16-30722121-G-C. GRCh37 (hg19) VCF-style: chr16-30733442-G-C.
Identifiers: ClinVar variation 3360113 (VCV003360113.1).
Genomic context (GRCh38, chr16:30,722,121, plus strand): 5'-TCTGTGAAGTGGTGTTGAGCAGGATGAGCCTTGTGTACAATAAGGCCTTCTCTGTTTTTA[G>C]CAGGCGAAGTGGTCAGCATCGGGCAGTTAGCCTCACTGGCACAACGTCCAGTGGCTAATG-3'

ClinVar aggregate classification (germline): Uncertain significance (1 of 4 stars; one submission).

gnomAD v4.1: 2 of 1,612,640 alleles (0.00012%); highest among the groups gnomAD compares: Admixed American, 0.0017%; no homozygotes.

Submission:

GeneDx
Classification: Uncertain significance. Last evaluated: 2023-06-20. Review status: criteria provided, single submitter. Criteria: GeneDx Variant Classification Process June 2021. Collection method: clinical testing. Allele origin: germline. Affected: yes.
Comment: Canonical splice site variant predicted to result in an in-frame loss of the adjacent exon in a gene for which loss of function is a known mechanism of disease; Has not been previously published as pathogenic or benign to our knowledge